The following is an entry in ClinVar:

ClinVar aggregate classification (germline): Uncertain significance (1 of 4 stars; one submission).

Conditions:
Hereditary cancer-predisposing syndrome. Also called: Neoplastic Syndromes, Hereditary; Tumor predisposition; Hereditary Cancer Syndrome; Hereditary neoplastic syndrome. Identifiers: Orphanet 140162, MedGen C0027672, MeSH D009386, MONDO:0015356.

Submission:

Labcorp Genetics (formerly Invitae), Labcorp
Classification: Uncertain significance for Hereditary cancer-predisposing syndrome. Last evaluated: 2022-11-19. Review status: criteria provided, single submitter. Criteria: Invitae Variant Classification Sherloc (09022015). Collection method: clinical testing. Allele origin: germline.
Comment: This variant has not been reported in the literature in individuals affected with RAD50-related conditions. This variant is not present in population databases (gnomAD no frequency). This sequence change replaces glutamic acid, which is acidic and polar, with glutamine, which is neutral and polar, at codon 476 of the RAD50 protein (p.Glu476Gln). In summary, the available evidence is currently insufficient to determine the role of this variant in disease. Therefore, it has been classified as a Variant of Uncertain Significance. Advanced modeling of protein sequence and biophysical properties (such as structural, functional, and spatial information, amino acid conservation, physicochemical variation, residue mobility, and thermodynamic stability) performed at Invitae indicates that this missense variant is not expected to disrupt RAD50 protein function.

NM_005732.4(RAD50):c.1426G>C (p.Glu476Gln)

Gene: RAD50 (RAD50 double strand break repair protein; plus strand). Cytogenetic location: 5q31.1.
Variant type: single nucleotide variant.
Coding change: c.1426G>C on transcript NM_005732.4 (MANE Select); coding-DNA position 1426, G replaced by C.
Protein change: p.Glu476Gln; replaces glutamic acid 476 with glutamine.
Molecular consequence: missense variant.
Genome position (GRCh38, 1-based): chr5:132,589,811, G>C. VCF-style: chr5-132589811-G-C. GRCh37 (hg19) VCF-style: chr5-131925503-G-C.
Other names: short protein forms E476Q.
Identifiers: ClinVar variation 2815157 (VCV002815157.3), dbSNP rs2479637418, ClinGen allele CA360944847.